The following is an entry in ClinVar:

NM_000393.5(COL5A2):c.3927T>G (p.Gly1309=)

Gene: COL5A2 (collagen type V alpha 2 chain; minus strand). Cytogenetic location: 2q32.2.
Variant type: single nucleotide variant.
Coding change: c.3927T>G on transcript NM_000393.5 (MANE Select); coding-DNA position 3927, T replaced by G.
Protein change: p.Gly1309=; no amino-acid change (glycine 1309 retained).
Molecular consequence: synonymous variant.
Genome position (GRCh38, 1-based): chr2:189,036,802, A>C on the plus strand (T>G on the coding strand, the complement: COL5A2 is on the minus strand). VCF-style: chr2-189036802-A-C. GRCh37 (hg19) VCF-style: chr2-189901528-A-C.
Identifiers: ClinVar variation 4847138 (VCV004847138.1).

ClinVar aggregate classification (germline): Uncertain significance (1 of 4 stars; one submission).

Submission:

Women's Health and Genetics/Laboratory Corporation of America, LabCorp
Classification: Uncertain significance. Last evaluated: 2026-03-17. Review status: criteria provided, single submitter. Criteria: LabCorp Variant Classification Summary - May 2015. Collection method: clinical testing. Allele origin: germline.
Comment: Variant summary: COL5A2 c.3927T>G (p.Gly1309Gly) alters a conserved nucleotide located close to a canonical splice site and therefore could affect mRNA splicing, leading to a significantly altered protein sequence. Several computational tools predict a significant impact on normal splicing: Two predict the variant weakens a canonical 3' acceptor site and one predicts the variant has no significant impact on splicing. However, these predictions have yet to be confirmed by functional studies. The variant was absent in 237764 control chromosomes. The available data on variant occurrences in the general population are insufficient to allow any conclusion about variant significance. To our knowledge, no occurrence of c.3927T>G in individuals affected with COL5A2-related conditions and no experimental evidence demonstrating its impact on protein function have been reported. No submitters have cited clinical-significance assessments for this variant to ClinVar. Based on the evidence outlined above, the variant was classified as uncertain significance.